The following is an entry in ClinVar:

NM_000152.5(GAA):c.1637-12C>T

Gene: GAA (alpha glucosidase; plus strand). Cytogenetic location: 17q25.3.
Variant type: single nucleotide variant.
Coding change: c.1637-12C>T on transcript NM_000152.5 (MANE Select); 12 bases into the intron before coding-DNA position 1637, C replaced by T.
Molecular consequence: intron variant.
Genome position (GRCh38, 1-based): chr17:80,111,971, C>T. VCF-style: chr17-80111971-C-T. GRCh37 (hg19) VCF-style: chr17-78085770-C-T.
Other names: c.1637-12C>T (NM_001079803.3, NM_001079804.3, LRG_673t1).
Identifiers: ClinVar variation 512813 (VCV000512813.11), dbSNP rs374923144, ClinGen allele CA8815420.

ClinVar aggregate classification (germline): Likely benign. Review status: criteria provided, multiple submitters, no conflicts (2 of 4 stars). 4 submissions from 4 submitters: Likely benign (4). Last evaluated 2026-01-11.

Conditions:
Glycogen storage disease, type II (IOPD). Also called: CARDIOMEGALIA GLYCOGENICA DIFFUSA; GLYCOGENOSIS, GENERALIZED, CARDIAC FORM; GSD II; Glycogen storage disease type 2; Acid maltase deficiency disease; Aglucosidase alfa. Identifiers: Orphanet 365, MedGen C0017921, MONDO:0009290, OMIM 232300.

Allele frequency attached by ClinVar (database versions not stated): gnomAD exomes 0.00006; ExAC 0.00008; gnomAD 0.00009 and 0.00010; TOPMed 0.00010; ESP Exome Variant Server 0.00023.
gnomAD v4.1: 102 of 1,610,138 alleles (0.0063%); highest among the groups gnomAD compares: African/African-American, 0.021%; no homozygotes.

Submissions (4):

Labcorp Genetics (formerly Invitae), Labcorp
Classification: Likely benign for Glycogen storage disease, type II. Last evaluated: 2026-01-11. Review status: criteria provided, single submitter. Criteria: Invitae Variant Classification Sherloc (09022015). Collection method: clinical testing. Allele origin: germline.

Blueprint Genetics
Classification: Likely benign. Last evaluated: 2024-10-22. Review status: criteria provided, single submitter. Criteria: ACMG Guidelines, 2015. Collection method: clinical testing. Allele origin: germline.

ARUP Laboratories, Molecular Genetics and Genomics, ARUP Laboratories
Classification: Likely benign for Glycogen storage disease, type II. Last evaluated: 2023-12-21. Review status: criteria provided, single submitter. Criteria: ARUP Molecular Germline Variant Investigation Process 2024. Collection method: clinical testing. Allele origin: germline.

GeneDx
Classification: Likely benign. Last evaluated: 2017-10-19. Review status: criteria provided, single submitter. Criteria: GeneDx Variant Classification (06012015). Collection method: clinical testing. Allele origin: germline. Affected: yes.
Comment: This variant is considered likely benign or benign based on one or more of the following criteria: it is a conservative change, it occurs at a poorly conserved position in the protein, it is predicted to be benign by multiple in silico algorithms, and/or has population frequency not consistent with disease.